The following is an entry in ClinVar:

NM_000188.3(HK1):c.1426C>A (p.His476Asn)

Gene: HK1 (hexokinase 1; plus strand). Cytogenetic location: 10q22.1.
Variant type: single nucleotide variant.
Coding change: c.1426C>A on transcript NM_000188.3 (MANE Select); coding-DNA position 1426, C replaced by A.
Protein change: p.His476Asn; replaces histidine 476 with asparagine.
Molecular consequence: missense variant.
Genome position (GRCh38, 1-based): chr10:69,382,647, C>A. VCF-style: chr10-69382647-C-A. GRCh37 (hg19) VCF-style: chr10-71142403-C-A.
Other names: c.1438C>A, p.His480Asn (NM_001322364.2, NM_001358263.1, NM_033497.3 and 1 more transcripts); c.1531C>A, p.His511Asn (NM_001322365.2); c.1342C>A, p.His448Asn (NM_001322366.1); c.1330C>A, p.His444Asn (NM_001322367.1); c.1423C>A, p.His475Asn (NM_033496.3); c.1390C>A, p.His464Asn (NM_033500.2); short protein forms H448N, H475N, H476N, H511N, H464N, H444N, H480N.
Identifiers: ClinVar variation 2894616 (VCV002894616.3), dbSNP rs113893857, ClinGen allele CA5532599.

ClinVar aggregate classification (germline): Uncertain significance (1 of 4 stars; one submission).

Allele frequency attached by ClinVar (database versions not stated): gnomAD 0.00001.
gnomAD v4.1: 61 of 1,614,072 alleles (0.0038%); highest among the groups gnomAD compares: South Asian, 0.066%; 1 homozygote.

Submission:

Labcorp Genetics (formerly Invitae), Labcorp
Classification: Uncertain significance. Last evaluated: 2023-04-26. Review status: criteria provided, single submitter. Criteria: Invitae Variant Classification Sherloc (09022015). Collection method: clinical testing. Allele origin: germline.
Comment: This sequence change replaces histidine, which is basic and polar, with asparagine, which is neutral and polar, at codon 476 of the HK1 protein (p.His476Asn). This variant is present in population databases (rs113893857, gnomAD 0.06%). This variant has not been reported in the literature in individuals affected with HK1-related conditions. Advanced modeling of protein sequence and biophysical properties (such as structural, functional, and spatial information, amino acid conservation, physicochemical variation, residue mobility, and thermodynamic stability) performed at Invitae indicates that this missense variant is not expected to disrupt HK1 protein function. In summary, the available evidence is currently insufficient to determine the role of this variant in disease. Therefore, it has been classified as a Variant of Uncertain Significance.